The following is an entry in ClinVar:

ClinVar aggregate classification (germline): Uncertain significance (1 of 4 stars; one submission).

Conditions:
Autoimmune lymphoproliferative syndrome type 2A (ALPS2A). Also called: Autoimmune lymphoproliferative syndrome type 2; AUTOIMMUNE LYMPHOPROLIFERATIVE SYNDROME, TYPE IIA; CASP10-Related Autoimmune Lymphoproliferative Syndrome. Identifiers: Orphanet 3261, MedGen C1858968, MONDO:0011383, OMIM 603909.

Submission:

Labcorp Genetics (formerly Invitae), Labcorp
Classification: Uncertain significance for Autoimmune lymphoproliferative syndrome type 2A. Last evaluated: 2022-09-03. Review status: criteria provided, single submitter. Criteria: Invitae Variant Classification Sherloc (09022015). Collection method: clinical testing. Allele origin: germline.
Comment: This variant is a gross deletion of the genomic region encompassing exon(s) 3 of the CASP10 gene. This deletion is out-of-frame, and is expected to create a premature translational stop signal and result in an absent or disrupted protein product. However, the current clinical and genetic evidence is not sufficient to establish whether loss-of-function variants in CASP10 cause disease. This variant has not been reported in the literature in individuals affected with CASP10-related conditions. In summary, the available evidence is currently insufficient to determine the role of this variant in disease. Therefore, it has been classified as a Variant of Uncertain Significance.

NC_000002.11:g.(?_202052409)_(202052542_?)del

Gene: CASP10 (caspase 10; plus strand). Cytogenetic location: 2q33.1.
Variant type: Deletion.
Identifiers: ClinVar variation 2427087 (VCV002427087.2).